The following is an entry in ClinVar:

NM_000540.3(RYR1):c.7706T>G (p.Phe2569Cys)

Gene: RYR1 (ryanodine receptor 1; plus strand). Cytogenetic location: 19q13.2.
Variant type: single nucleotide variant.
Coding change: c.7706T>G on transcript NM_000540.3 (MANE Select); coding-DNA position 7706, T replaced by G.
Protein change: p.Phe2569Cys; replaces phenylalanine 2569 with cysteine.
Molecular consequence: missense variant.
Genome position (GRCh38, 1-based): chr19:38,502,598, T>G. VCF-style: chr19-38502598-T-G. GRCh37 (hg19) VCF-style: chr19-38993238-T-G.
Other names: c.7706T>G, p.Phe2569Cys (NM_001042723.2); short protein forms F2569C.
Identifiers: ClinVar variation 2724512 (VCV002724512.4), dbSNP rs778270931, ClinGen allele CA308112023.

ClinVar aggregate classification (germline): Uncertain significance. Review status: criteria provided, multiple submitters, no conflicts (2 of 4 stars). 2 submissions from 2 submitters: Uncertain significance (2). Last evaluated 2023-08-15.

Conditions:
Malignant hyperthermia, susceptibility to, 1 (MHS1). Also called: Anesthesia related hyperthermia; Malignant hyperpyrexia; Fulminating hyperpyrexia; Pharmacogenic myopathy; Malignant hyperthermia suceptibility 1; RYR1-Related Malignant Hyperthermia Susceptibility. Identifiers: Orphanet 423, MedGen C2930980, MONDO:0007783, OMIM 145600.
RYR1-related disorder. Also called: RYR1-related condition; RYR1-related disorders. Identifiers: MedGen CN239331.

gnomAD v4.1: 8 of 1,612,674 alleles (0.0005%); highest among the groups gnomAD compares: Non-Finnish European, 0.00068%; no homozygotes.

Submissions (2):

All of Us Research Program, National Institutes of Health
Classification: Uncertain significance for Malignant hyperthermia, susceptibility to, 1. Last evaluated: 2023-08-15. Review status: criteria provided, single submitter. Criteria: ACMG Guidelines, 2015. Collection method: clinical testing. Allele origin: germline. Inheritance: Autosomal dominant inheritance. Observed: 1 variant allele, 1 heterozygote.
Comment: This missense variant replaces phenylalanine with cysteine at codon 2569 of the RYR1 protein. Computational prediction suggests that this variant may have deleterious impact on protein structure and function (internally defined REVEL score threshold >= 0.7, PMID: 27666373). To our knowledge, functional studies have not been reported for this variant. This variant has not been reported in individuals affected with RYR1-related disorders in the literature. This variant has not been identified in the general population by the Genome Aggregation Database (gnomAD). The available evidence is insufficient to determine the role of this variant in disease conclusively. Therefore, this variant is classified as a Variant of Uncertain Significance.

This study involves interpretation of variants in research participants for the purpose of population health screening. Participant phenotype was not available at the time of variant classification. Additional details can be found in publication PMID: 35346344, PMCID: PMC8962531

Labcorp Genetics (formerly Invitae), Labcorp
Classification: Uncertain significance for RYR1-related disorder. Last evaluated: 2022-12-20. Review status: criteria provided, single submitter. Criteria: Invitae Variant Classification Sherloc (09022015). Collection method: clinical testing. Allele origin: germline.
Comment: In summary, the available evidence is currently insufficient to determine the role of this variant in disease. Therefore, it has been classified as a Variant of Uncertain Significance. Advanced modeling of protein sequence and biophysical properties (such as structural, functional, and spatial information, amino acid conservation, physicochemical variation, residue mobility, and thermodynamic stability) performed at Invitae indicates that this missense variant is expected to disrupt RYR1 protein function. This variant has not been reported in the literature in individuals affected with RYR1-related conditions. This variant is not present in population databases (gnomAD no frequency). This sequence change replaces phenylalanine, which is neutral and non-polar, with cysteine, which is neutral and slightly polar, at codon 2569 of the RYR1 protein (p.Phe2569Cys).